The following is an entry in ClinVar:

NM_001025603.2(RFX5):c.474-2A>G

Gene: RFX5 (regulatory factor X5; minus strand). Cytogenetic location: 1q21.3.
Variant type: single nucleotide variant.
Coding change: c.474-2A>G on transcript NM_001025603.2 (MANE Select); the canonical splice acceptor site of the intron before coding-DNA position 474, A replaced by G.
Molecular consequence: splice acceptor variant.
Genome position (GRCh38, 1-based): chr1:151,344,280, T>C on the plus strand (A>G on the coding strand, the complement: RFX5 is on the minus strand). VCF-style: chr1-151344280-T-C. GRCh37 (hg19) VCF-style: chr1-151316756-T-C.
Other names: c.354-2A>G (NM_001379419.1, NM_001379420.1); c.474-2A>G (NM_000449.4, NM_001379413.1, NM_001379417.1 and 5 more transcripts).
Identifiers: ClinVar variation 1501973 (VCV001501973.8), dbSNP rs2102065180, ClinGen allele CA341940843.

ClinVar aggregate classification (germline): Likely pathogenic (1 of 4 stars; one submission).

Conditions:
MHC class II deficiency. Also called: Bare lymphocyte syndrome 2; BLS, TYPE II. Identifiers: Orphanet 572, MedGen C5447452, MONDO:0008855.

Submission:

Labcorp Genetics (formerly Invitae), Labcorp
Classification: Likely pathogenic for MHC class II deficiency. Last evaluated: 2025-10-21. Review status: criteria provided, single submitter. Criteria: Invitae Variant Classification Sherloc (09022015). Collection method: clinical testing. Allele origin: germline.
Comment: This sequence change affects an acceptor splice site in intron 7 of the RFX5 gene. It is expected to disrupt RNA splicing. Variants that disrupt the donor or acceptor splice site typically lead to a loss of protein function (PMID: 16199547), and loss-of-function variants in RFX5 are known to be pathogenic (PMID: 7744245, 9401005, 10079298). This variant is not present in population databases (gnomAD no frequency). This variant has not been reported in the literature in individuals affected with RFX5-related conditions. ClinVar contains an entry for this variant (Variation ID: 1501973). Algorithms developed to predict the effect of sequence changes on RNA splicing suggest that this variant may disrupt the consensus splice site. In summary, the currently available evidence indicates that the variant is pathogenic, but additional data are needed to prove that conclusively. Therefore, this variant has been classified as Likely Pathogenic.

Literature cited by the submitters: PubMed 16199547; PubMed 7744245; PubMed 9401005; PubMed 10079298.